The following is an entry in ClinVar:

ClinVar aggregate classification (germline): Conflicting classifications of pathogenicity. Review status: criteria provided, conflicting classifications (1 of 4 stars). 2 submissions from 2 submitters: Uncertain significance (1); Likely benign (1). Last evaluated 2025-11-01.

Allele frequency attached by ClinVar (database versions not stated): ExAC 0.00002; gnomAD exomes 0.00003; ESP Exome Variant Server 0.00008; TOPMed 0.00008; gnomAD 0.00009.
gnomAD v4.1: 178 of 1,613,972 alleles (0.011%); highest among the groups gnomAD compares: Non-Finnish European, 0.014%; 2 homozygotes.

Submissions (2):

Labcorp Genetics (formerly Invitae), Labcorp
Classification: Uncertain significance. Last evaluated: 2025-11-01. Review status: criteria provided, single submitter. Criteria: Invitae Variant Classification Sherloc (09022015). Collection method: clinical testing. Allele origin: germline.
Comment: This sequence change replaces glutamic acid, which is acidic and polar, with glycine, which is neutral and non-polar, at codon 890 of the DDX58 protein (p.Glu890Gly). This variant is present in population databases (rs372684517, gnomAD 0.004%). This variant has not been reported in the literature in individuals affected with DDX58-related conditions. ClinVar contains an entry for this variant (Variation ID: 1379393). An algorithm developed to predict the effect of missense changes on protein structure and function outputs the following: PolyPhen-2: "Benign". The glycine amino acid residue is found in multiple mammalian species, which suggests that this missense change does not adversely affect protein function. In summary, the available evidence is currently insufficient to determine the role of this variant in disease. Therefore, it has been classified as a Variant of Uncertain Significance.

Blueprint Genetics
Classification: Likely benign. Last evaluated: 2024-03-26. Review status: criteria provided, single submitter. Criteria: ACMG Guidelines, 2015. Collection method: clinical testing. Allele origin: germline.

NM_014314.4(RIGI):c.2669A>G (p.Glu890Gly)

Gene: RIGI (RNA sensor RIG-I; minus strand). Cytogenetic location: 9p21.1.
Variant type: single nucleotide variant.
Coding change: c.2669A>G on transcript NM_014314.4 (MANE Select); coding-DNA position 2669, A replaced by G.
Protein change: p.Glu890Gly; replaces glutamic acid 890 with glycine.
Molecular consequence: missense variant.
Genome position (GRCh38, 1-based): chr9:32,457,231, T>C on the plus strand (A>G on the coding strand, the complement: RIGI is on the minus strand). VCF-style: chr9-32457231-T-C. GRCh37 (hg19) VCF-style: chr9-32457229-T-C.
Other names: c.2663A>G, p.Glu888Gly (NM_001385907.1); c.2498A>G, p.Glu833Gly (NM_001385909.1); c.2228A>G, p.Glu743Gly (NM_001385910.1); c.2060A>G, p.Glu687Gly (NM_001385912.1); c.2654A>G, p.Glu885Gly (NM_001385913.1); c.2225A>G, p.Glu742Gly (NM_001385914.1); short protein forms E742G, E743G, E833G, E885G, E888G, E890G, E687G.
Identifiers: ClinVar variation 1379393 (VCV001379393.9), dbSNP rs372684517, ClinGen allele CA5019436.